The following is an entry in ClinVar:

ClinVar aggregate classification (germline): Conflicting classifications of pathogenicity. Review status: criteria provided, conflicting classifications (1 of 4 stars). 3 submissions from 3 submitters: Uncertain significance (1); Likely benign (2). Last evaluated 2026-03-05.

Conditions:
GAS1-related disorder. Also called: GAS1-related condition.

Allele frequency attached by ClinVar (database versions not stated): ExAC 0.00019; TOPMed 0.00021; gnomAD 0.00025; gnomAD exomes 0.00040.

Submissions (3):

PreventionGenetics, part of Exact Sciences
Classification: Likely benign for GAS1-related condition. Last evaluated: 2026-03-05. Review status: criteria provided, single submitter. Criteria: ACMG Guidelines, 2015. Collection method: clinical testing. Allele origin: germline.
Comment: This variant is classified as likely benign based on ACMG/AMP sequence variant interpretation guidelines (Richards et al. 2015 PMID: 25741868, with internal and published modifications).

CeGaT Center for Human Genetics Tuebingen
Classification: Likely benign. Last evaluated: 2025-07-01. Review status: criteria provided, single submitter. Criteria: CeGaT Center For Human Genetics Tuebingen Variant Classification Criteria Version 2. Collection method: clinical testing. Allele origin: germline. Affected: yes. Observed: 1 variant allele.
Comment: GAS1: PM4:Supporting, BS2

Labcorp Genetics (formerly Invitae), Labcorp
Classification: Uncertain significance. Last evaluated: 2024-09-16. Review status: criteria provided, single submitter. Criteria: Invitae Variant Classification Sherloc (09022015). Collection method: clinical testing. Allele origin: germline.
Comment: This variant, c.271_273dup, results in the insertion of 1 amino acid(s) of the GAS1 protein (p.Ala91dup), but otherwise preserves the integrity of the reading frame. This variant is present in population databases (rs756167741, gnomAD 0.05%), and has an allele count higher than expected for a pathogenic variant. This variant has not been reported in the literature in individuals affected with GAS1-related conditions. Experimental studies and prediction algorithms are not available or were not evaluated, and the functional significance of this variant is currently unknown. In summary, the available evidence is currently insufficient to determine the role of this variant in disease. Therefore, it has been classified as a Variant of Uncertain Significance.

NM_002048.3(GAS1):c.271_273dup (p.Ala91_Phe92insAla)

Genes: GAS1 (growth arrest specific 1; minus strand), LOC130001972 (ATAC-STARR-seq lymphoblastoid silent region 19998; plus strand). Cytogenetic location: 9q21.33.
Variant type: Duplication.
Coding change: c.271_273dup on transcript NM_002048.3 (MANE Select); coding-DNA positions 271 to 273, 3 bases duplicated (GCT; older notation c.271_273dupGCT).
Protein change: p.Ala91_Phe92insAla.
Molecular consequence: inframe insertion.
Genome position (GRCh38, 1-based): chr9:86,946,507-86,946,509, AGC duplicated on the plus strand (GCT on the coding strand, the reverse complement: GAS1 is on the minus strand). VCF-style (leftmost placement, unchanged base first): chr9-86946506-A-AAGC. GRCh37 (hg19) VCF-style: chr9-89561421-A-AAGC.
Other names: c.271_273dupGCT (NM_002048.2).
Identifiers: ClinVar variation 2772823 (VCV002772823.12), dbSNP rs756167741, ClinGen allele CA5109459.